The following is an entry in ClinVar:

ClinVar aggregate classification (germline): Uncertain significance (1 of 4 stars; one submission).

Conditions:
Dilated cardiomyopathy 2B. Identifiers: Orphanet 154, MedGen C3553409, MONDO:0013848, OMIM 614672.

Allele frequency attached by ClinVar (database versions not stated): gnomAD exomes below 0.00001.
gnomAD v4.1: 1 of 1,222,112 alleles (0.000082%); highest among the groups gnomAD compares: South Asian, 0.004%; no homozygotes.

Submission:

Labcorp Genetics (formerly Invitae), Labcorp
Classification: Uncertain significance for Dilated cardiomyopathy 2B. Last evaluated: 2022-02-24. Review status: criteria provided, single submitter. Criteria: Invitae Variant Classification Sherloc (09022015). Collection method: clinical testing. Allele origin: germline.
Comment: In summary, the available evidence is currently insufficient to determine the role of this variant in disease. Therefore, it has been classified as a Variant of Uncertain Significance. Algorithms developed to predict the effect of sequence changes on RNA splicing suggest that this variant may create or strengthen a splice site. This variant has not been reported in the literature in individuals affected with GATAD1-related conditions. This variant is not present in population databases (gnomAD no frequency). This sequence change affects codon 81 of the GATAD1 mRNA. It is a 'silent' change, meaning that it does not change the encoded amino acid sequence of the GATAD1 protein.

NM_021167.5(GATAD1):c.243C>T (p.Gly81=)

Genes: GATAD1 (GATA zinc finger domain containing 1; plus strand), LOC129998793 (ATAC-STARR-seq lymphoblastoid silent region 18371; plus strand). Cytogenetic location: 7q21.2.
Variant type: single nucleotide variant.
Coding change: c.243C>T on transcript NM_021167.5 (MANE Select); coding-DNA position 243, C replaced by T.
Protein change: p.Gly81=; no amino-acid change (glycine 81 retained).
Molecular consequence: synonymous variant. On other transcripts: non-coding transcript variant (1).
Genome position (GRCh38, 1-based): chr7:92,447,972, C>T. VCF-style: chr7-92447972-C-T. GRCh37 (hg19) VCF-style: chr7-92077286-C-T.
Identifiers: ClinVar variation 2103087 (VCV002103087.4), dbSNP rs2484516233, ClinGen allele CA456623236.
Genomic context (GRCh38, chr7:92,447,972, plus strand): 5'-CGCGGCGACCTTCGCCAGCACCTCCGCCACCCCTCCGCAGAGCAACGGGGGCGGGGGCGG[C>T]AAGCAGGTGAGCTCCTCCGGCCCCTCCCGCCGGCGGAGGCCGACCAGGTGCTAGGCGGGC-3'
Protein context (NP_066990.3, residues 71-91): TPPQSNGGGG[Gly81=]KQSKQEIHRR